The following is an entry in ClinVar:

NM_001370100.5(ZMYND11):c.1749C>T (p.Ile583=)

Gene: ZMYND11 (zinc finger MYND-type containing 11; plus strand). Cytogenetic location: 10p15.3.
Variant type: single nucleotide variant.
Coding change: c.1749C>T on transcript NM_001370100.5 (MANE Select); coding-DNA position 1749, C replaced by T.
Protein change: p.Ile583=; no amino-acid change (isoleucine 583 retained).
Molecular consequence: synonymous variant. On other transcripts: non-coding transcript variant (1).
Genome position (GRCh38, 1-based): chr10:252,410, C>T. VCF-style: chr10-252410-C-T. GRCh37 (hg19) VCF-style: chr10-298350-C-T.
Other names: c.1749C>T, p.Ile583= (NM_001161482.1, NM_001370097.3, NM_001370098.2 and 4 more transcripts); c.1587C>T, p.Ile529= (NM_001202464.3, NM_001370103.2, NM_001370104.2 and 5 more transcripts); c.1494C>T, p.Ile498= (NM_001202465.3, NM_001370110.2); c.1584C>T, p.Ile528= (NM_001202466.3, NM_001370111.2); c.1698C>T, p.Ile566= (NM_001330057.3, NM_001370112.2); c.1656C>T, p.Ile552= (NM_001370113.2, NM_001370114.2); c.1746C>T, p.Ile582= (NM_001370115.2); c.1683C>T, p.Ile561= (NM_001370116.2); and 8 more.
Identifiers: ClinVar variation 2072395 (VCV002072395.8), dbSNP rs1953693817, ClinGen allele CA467909500.

ClinVar aggregate classification (germline): Conflicting classifications of pathogenicity. Review status: criteria provided, conflicting classifications (1 of 4 stars). 2 submissions from 2 submitters: Uncertain significance (1); Likely benign (1). Last evaluated 2026-02-01.

Submissions (2):

CeGaT Center for Human Genetics Tuebingen
Classification: Uncertain significance. Last evaluated: 2026-02-01. Review status: criteria provided, single submitter. Criteria: CeGaT Center For Human Genetics Tuebingen Variant Classification Criteria Version 2. Collection method: clinical testing. Allele origin: germline. Affected: yes. Observed: 1 variant allele.
Comment: ZMYND11: PM2:Supporting, BP4

Labcorp Genetics (formerly Invitae), Labcorp
Classification: Likely benign. Last evaluated: 2022-08-31. Review status: criteria provided, single submitter. Criteria: Invitae Variant Classification Sherloc (09022015). Collection method: clinical testing. Allele origin: germline.